The following is an entry in ClinVar:

ClinVar aggregate classification (germline): Uncertain significance (1 of 4 stars; one submission).

Conditions:
Tumor predisposition syndrome 3 (TPDS3). Also called: LONG TELOMERE SYNDROME, POT1-RELATED; POT1 Tumor Predisposition; Melanoma, cutaneous malignant, susceptibility to, 10; Glioma susceptibility 9. Identifiers: Orphanet 618, MedGen C4014476, MONDO:0014368, OMIM 615848.

Allele frequency attached by ClinVar (database versions not stated): gnomAD exomes below 0.00001.
gnomAD v4.1: 1 of 1,599,280 alleles (0.000063%); highest among the groups gnomAD compares: Non-Finnish European, 0.000085%; no homozygotes.

Submission:

Labcorp Genetics (formerly Invitae), Labcorp
Classification: Uncertain significance for Tumor predisposition syndrome 3. Last evaluated: 2024-10-12. Review status: criteria provided, single submitter. Criteria: Invitae Variant Classification Sherloc (09022015). Collection method: clinical testing. Allele origin: germline.
Comment: This sequence change replaces lysine, which is basic and polar, with arginine, which is basic and polar, at codon 564 of the POT1 protein (p.Lys564Arg). This variant is not present in population databases (gnomAD no frequency). This variant has not been reported in the literature in individuals affected with POT1-related conditions. Invitae Evidence Modeling of protein sequence and biophysical properties (such as structural, functional, and spatial information, amino acid conservation, physicochemical variation, residue mobility, and thermodynamic stability) indicates that this missense variant is not expected to disrupt POT1 protein function with a negative predictive value of 80%. Algorithms developed to predict the effect of sequence changes on RNA splicing suggest that this variant may create or strengthen a splice site. In summary, the available evidence is currently insufficient to determine the role of this variant in disease. Therefore, it has been classified as a Variant of Uncertain Significance.

NM_015450.3(POT1):c.1691A>G (p.Lys564Arg)

Gene: POT1 (protection of telomeres 1; minus strand). Cytogenetic location: 7q31.33.
Variant type: single nucleotide variant.
Coding change: c.1691A>G on transcript NM_015450.3 (MANE Select); coding-DNA position 1691, A replaced by G.
Protein change: p.Lys564Arg; replaces lysine 564 with arginine.
Molecular consequence: missense variant. On other transcripts: non-coding transcript variant (3).
Genome position (GRCh38, 1-based): chr7:124,825,353, T>C on the plus strand (A>G on the coding strand, the complement: POT1 is on the minus strand). VCF-style: chr7-124825353-T-C. GRCh37 (hg19) VCF-style: chr7-124465407-T-C.
Other names: c.1298A>G, p.Lys433Arg (NM_001042594.2); short protein forms K433R, K564R.
Identifiers: ClinVar variation 2842767 (VCV002842767.3), dbSNP rs2485338730, ClinGen allele CA369062593.
Genomic context (GRCh38, chr7:124,825,353, plus strand): 5'-TCCACACTTTTCTGAAGGTCATCATCCATCAGAACTTCTGATGCTGGAATCTGGAAGAAT[T>C]TGTCCTTAAAAATGTTTCATGAGAGAAAAAAAAAGGAAATAATATTAATCCTTTTTAATG-3'
Protein context (NP_056265.2, residues 554-574): VLEAYLMDSD[Lys564Arg]FFQIPASEVL